The following is an entry in ClinVar:

ClinVar aggregate classification (germline): Pathogenic (0 of 4 stars; one submission).

Conditions:
PKD1-related disorder. Also called: PKD1-related condition.

Submission:

PreventionGenetics, part of Exact Sciences
Classification: Pathogenic for PKD1-related condition. Last evaluated: 2024-06-26. Review status: no assertion criteria provided. Collection method: clinical testing. Allele origin: germline.
Comment: The PKD1 c.3398_3399delTG variant is predicted to result in a frameshift and premature protein termination (p.Val1133Glufs*2). This variant was reported in an individual with polycystic kidney disease (Supp. Table 3 in Carrera et al 2016. PubMed ID: 27499327). This variant has not been reported in a large population database, indicating this variant is rare. Frameshift variants in PKD1 are expected to be pathogenic. This variant is interpreted as pathogenic.

NM_001009944.3(PKD1):c.3398_3399del (p.Val1133fs)

Gene: PKD1 (polycystin 1, transient receptor potential channel interacting; minus strand). Cytogenetic location: 16p13.3.
Variant type: Microsatellite.
Coding change: c.3398_3399del on transcript NM_001009944.3 (MANE Select); coding-DNA positions 3398 to 3399, 2 bases deleted (TG; older notation c.3398_3399delTG).
Protein change: p.Val1133fs; shifts the reading frame from valine 1133.
Molecular consequence: frameshift variant.
Genome position (GRCh38, 1-based): chr16:2,111,768-2,111,769, CA deleted on the plus strand (TG on the coding strand, the reverse complement: PKD1 is on the minus strand); deleting any 2 consecutive bases within chr16:2,111,768-2,111,772 gives the same sequence; the c. name uses the placement nearest the transcript's 3' end. VCF-style (leftmost placement, unchanged base first): chr16-2111767-TCA-T. GRCh37 (hg19) VCF-style: chr16-2161768-TCA-T.
Other names: c.3398_3399del, p.Val1133fs (NM_000296.4); c.3395_3396GT[1], p.Val1133Glufs (NM_001009944.2); c.3398_3399delTG (NM_001009944.2); short protein forms V1133fs.
Identifiers: ClinVar variation 3345512 (VCV003345512.1).